The following is an entry in ClinVar:

ClinVar aggregate classification (germline): Benign/Likely benign. Review status: criteria provided, multiple submitters, no conflicts (2 of 4 stars). 4 submissions from 4 submitters: Benign (1); Likely benign (3). Last evaluated 2024-11-19.

Conditions:
Imerslund-Grasbeck syndrome type 1 (IGS1). Also called: Megaloblastic anemia 1, Finnish type; MEGALOBLASTIC ANEMIA, 1; Imerslund-Gräsbeck syndrome 1. Identifiers: MedGen C4016819, MONDO:0100156, OMIM 261100.
Proteinuria, chronic benign. Identifiers: MedGen C5394384, MONDO:0030042, OMIM 618884.
Imerslund-Grasbeck syndrome. Also called: Megaloblastic anemia due to inborn errors of metabolism; PERNICIOUS ANEMIA, JUVENILE, DUE TO SELECTIVE INTESTINAL MALABSORPTION OF VITAMIN B12, WITH PROTEINURIA; Imerslund-Gräsbeck syndrome; ENTEROCYTE COBALAMIN MALABSORPTION; ENTEROCYTE INTRINSIC FACTOR RECEPTOR, DEFECT OF. Identifiers: Orphanet 35858, MedGen C4551825, MONDO:0009853.

Allele frequency attached by ClinVar (database versions not stated): TOPMed 0.00005; ESP Exome Variant Server 0.00015; 1000 Genomes Project 30x 0.00016; gnomAD 0.00016 and 0.00017; 1000 Genomes Project 0.00020; gnomAD exomes 0.00024 and 0.00032; ExAC 0.00035.
gnomAD v4.1: 373 of 1,614,050 alleles (0.023%); highest among the groups gnomAD compares: East Asian, 0.018%; no homozygotes.

Submissions (4):

Blueprint Genetics
Classification: Likely benign. Last evaluated: 2024-11-19. Review status: criteria provided, single submitter. Criteria: ACMG Guidelines, 2015. Collection method: clinical testing. Allele origin: germline.

Labcorp Genetics (formerly Invitae), Labcorp
Classification: Benign for Imerslund-Grasbeck syndrome. Last evaluated: 2024-11-11. Review status: criteria provided, single submitter. Criteria: Invitae Variant Classification Sherloc (09022015). Collection method: clinical testing. Allele origin: germline.

CeGaT Center for Human Genetics Tuebingen
Classification: Likely benign. Last evaluated: 2024-06-01. Review status: criteria provided, single submitter. Criteria: CeGaT Center For Human Genetics Tuebingen Variant Classification Criteria Version 2. Collection method: clinical testing. Allele origin: germline. Affected: yes. Observed: 1 variant allele.
Comment: CUBN: BP4, BP7

Fulgent Genetics
Classification: Likely benign for Imerslund-Grasbeck syndrome type 1; Proteinuria, chronic benign. Last evaluated: 2022-01-26. Review status: criteria provided, single submitter. Criteria: ACMG Guidelines, 2015. Collection method: clinical testing. Allele origin: unknown.

NM_001081.4(CUBN):c.6039C>T (p.Pro2013=)

Gene: CUBN (cubilin; minus strand). Cytogenetic location: 10p13.
Variant type: single nucleotide variant.
Coding change: c.6039C>T on transcript NM_001081.4 (MANE Select); coding-DNA position 6039, C replaced by T.
Protein change: p.Pro2013=; no amino-acid change (proline 2013 retained).
Molecular consequence: synonymous variant.
Genome position (GRCh38, 1-based): chr10:16,933,172, G>A on the plus strand (C>T on the coding strand, the complement: CUBN is on the minus strand). VCF-style: chr10-16933172-G-A. GRCh37 (hg19) VCF-style: chr10-16975171-G-A.
Identifiers: ClinVar variation 699668 (VCV000699668.30), dbSNP rs149569558, ClinGen allele CA5423824.
Genomic context (GRCh38, chr10:16,933,172, plus strand): 5'-GGCACACGTTCGGTGAGATTCAATGTCCAGGGAAAGAATGTTGAGTTCCACGGTAGAGTC[G>A]GGAGCCTGGATGAGCCACGTACAGTCCACTCTATTACTGTAACTGTCAGGCCAGCCCGGG-3'
Protein context (NP_001072.2, residues 2003-2023): RVDCTWLIQA[Pro2013=]DSTVELNILS